The following is an entry in ClinVar:

NM_201384.3(PLEC):c.7639C>T (p.Arg2547Trp)

Gene: PLEC (plectin; minus strand). Cytogenetic location: 8q24.3.
Variant type: single nucleotide variant.
Coding change: c.7639C>T on transcript NM_201384.3 (MANE Select); coding-DNA position 7639, C replaced by T.
Protein change: p.Arg2547Trp; replaces arginine 2547 with tryptophan.
Molecular consequence: missense variant.
Genome position (GRCh38, 1-based): chr8:143,922,182, G>A on the plus strand (C>T on the coding strand, the complement: PLEC is on the minus strand). VCF-style: chr8-143922182-G-A. GRCh37 (hg19) VCF-style: chr8-144996350-G-A.
Other names: c.7639C>T, p.Arg2547Trp (NM_201382.4); c.7651C>T, p.Arg2551Trp (NM_201383.3); c.7720C>T, p.Arg2574Trp (NM_000445.5); c.7597C>T, p.Arg2533Trp (NM_201378.4); c.7573C>T, p.Arg2525Trp (NM_201379.3); c.8050C>T, p.Arg2684Trp (NM_201380.4); c.7543C>T, p.Arg2515Trp (NM_201381.3); short protein forms R2515W, R2525W, R2533W, R2547W, R2551W, R2574W, R2684W.
Identifiers: ClinVar variation 385968 (VCV000385968.8), dbSNP rs782242954, ClinGen allele CA4925558.

ClinVar aggregate classification (germline): Conflicting classifications of pathogenicity. Review status: criteria provided, conflicting classifications (1 of 4 stars). 3 submissions from 3 submitters: Uncertain significance (2); Likely benign (1). Last evaluated 2025-12-02.

Conditions:
Epidermolysis bullosa simplex with nail dystrophy (EBS5D). Identifiers: MedGen C4225309, MONDO:0014661, OMIM 616487.
Epidermolysis bullosa simplex 5B, with muscular dystrophy (EBS5B). Also called: EPIDERMOLYSIS BULLOSA SIMPLEX AND LIMB-GIRDLE MUSCULAR DYSTROPHY; Epidermolysis bullosa simplex with muscular dystrophy. Identifiers: Orphanet 257, MedGen C2931072, MONDO:0009181, OMIM 226670.
Epidermolysis bullosa simplex, Ogna type (EBS5A). Also called: Pidermolysis bullosa simplex 5A, Ogna type; EPIDERMOLYSIS BULLOSA SIMPLEX 5A, OGNA TYPE. Identifiers: Orphanet 79401, MedGen C0432317, MONDO:0007555, OMIM 131950.
Autosomal recessive limb-girdle muscular dystrophy type 2Q (LGMDR17). Also called: MUSCULAR DYSTROPHY, LIMB-GIRDLE, AUTOSOMAL RECESSIVE 17. Identifiers: Orphanet 254361, MedGen C3150989, MONDO:0013390, OMIM 613723.
Epidermolysis bullosa simplex 5C, with pyloric atresia (EBS5C). Also called: PLEC-Related Epidermolysis Bullosa with Pyloric Atresia; Epidermolysis bullosa simplex with pyloric atresia; PLEC1-Related Epidermolysis Bullosa with Pyloric Atresia. Identifiers: Orphanet 158684, MedGen C2677349, MONDO:0012807, OMIM 612138.
Inborn genetic diseases. Identifiers: MedGen C0950123, MeSH D030342.

Allele frequency attached by ClinVar (database versions not stated): ExAC below 0.00001; gnomAD 0.00003; gnomAD exomes 0.00004; TOPMed 0.00004.
gnomAD v4.1: 57 of 1,545,136 alleles (0.0037%); highest among the groups gnomAD compares: East Asian, 0.058%; no homozygotes.

Submissions (3):

Labcorp Genetics (formerly Invitae), Labcorp
Classification: Uncertain significance for Autosomal recessive limb-girdle muscular dystrophy type 2Q; Epidermolysis bullosa simplex, Ogna type; Epidermolysis bullosa simplex with nail dystrophy; Epidermolysis bullosa simplex 5C, with pyloric atresia; Epidermolysis bullosa simplex 5B, with muscular dystrophy. Last evaluated: 2025-12-02. Review status: criteria provided, single submitter. Criteria: Invitae Variant Classification Sherloc (09022015). Collection method: clinical testing. Allele origin: germline.
Comment: This sequence change replaces arginine, which is basic and polar, with tryptophan, which is neutral and slightly polar, at codon 2574 of the PLEC protein (p.Arg2574Trp). This variant is present in population databases (rs782242954, gnomAD 0.008%). This variant has not been reported in the literature in individuals affected with PLEC-related conditions. ClinVar contains an entry for this variant (Variation ID: 385968). Invitae Evidence Modeling of protein sequence and biophysical properties (such as structural, functional, and spatial information, amino acid conservation, physicochemical variation, residue mobility, and thermodynamic stability) indicates that this missense variant is not expected to disrupt PLEC protein function with a negative predictive value of 80%. In summary, the available evidence is currently insufficient to determine the role of this variant in disease. Therefore, it has been classified as a Variant of Uncertain Significance.

Ambry Genetics
Classification: Uncertain significance for Inborn genetic diseases. Last evaluated: 2024-07-25. Review status: criteria provided, single submitter. Criteria: Ambry Variant Classification Scheme 2023. Collection method: clinical testing. Allele origin: germline.

GeneDx
Classification: Likely benign. Last evaluated: 2016-05-19. Review status: criteria provided, single submitter. Criteria: GeneDx Variant Classification (06012015). Collection method: clinical testing. Allele origin: germline. Affected: yes.
Comment: This variant is considered likely benign or benign based on one or more of the following criteria: it is a conservative change, it occurs at a poorly conserved position in the protein, it is predicted to be benign by multiple in silico algorithms, and/or has population frequency not consistent with disease.